The following is an entry in ClinVar:

ClinVar aggregate classification (germline): Pathogenic. Review status: criteria provided, multiple submitters, no conflicts (2 of 4 stars). 2 submissions from 2 submitters: Pathogenic (2). Last evaluated 2025-06-04.

Conditions:
Hypotonia, infantile, with psychomotor retardation and characteristic facies 2 (IHPRF2). Also called: UNC80 Deficiency. Identifiers: Orphanet 371364, Orphanet 700333, MedGen C4225203, MONDO:0014777, OMIM 616801.

Allele frequency attached by ClinVar (database versions not stated): TOPMed below 0.00001; gnomAD exomes 0.00001.
gnomAD v4.1: 2 of 1,551,744 alleles (0.00013%); highest among the groups gnomAD compares: Admixed American, 0.002%; no homozygotes.

Submissions (2):

Labcorp Genetics (formerly Invitae), Labcorp
Classification: Pathogenic. Last evaluated: 2025-06-04. Review status: criteria provided, single submitter. Criteria: Invitae Variant Classification Sherloc (09022015). Collection method: clinical testing. Allele origin: germline.
Comment: This sequence change creates a premature translational stop signal (p.Arg1357*) in the UNC80 gene. It is expected to result in an absent or disrupted protein product. Loss-of-function variants in UNC80 are known to be pathogenic (PMID: 26545877, 26708751, 26708753). This variant is present in population databases (no rsID available, gnomAD 0.004%). This variant has not been reported in the literature in individuals affected with UNC80-related conditions. ClinVar contains an entry for this variant (Variation ID: 1457621). For these reasons, this variant has been classified as Pathogenic.

Women's Health and Genetics/Laboratory Corporation of America, LabCorp
Classification: Pathogenic for Hypotonia, infantile, with psychomotor retardation and characteristic facies 2. Last evaluated: 2023-06-28. Review status: criteria provided, single submitter. Criteria: LabCorp Variant Classification Summary - May 2015. Collection method: clinical testing. Allele origin: germline.
Comment: Variant summary: UNC80 c.4069C>T (p.Arg1357X) results in a premature termination codon, predicted to cause absence of the protein due to nonsense mediated decay, a commonly known mechanism for disease. The variant allele was found at a frequency of 6.4e-06 in 157262 control chromosomes (gnomAD). c.4069C>T has been reported in the literature in the heterozygous state as a de novo occurrence in at least one individual affected with autism (e.g. Turner_2019). However, to our knowledge, no occurrences in individuals affected with Infantile Hypotonia With Psychomotor Retardation And Characteristic Facies 2 and no experimental evidence demonstrating an impact on protein function has been reported. The following publication has been ascertained in the context of this evaluation (PMID: 31785789). One submitter has cited a clinical-significance assessment for this variant to ClinVar after 2014 and has classified the variant as pathogenic. Based on the evidence outlined above, the variant was classified as pathogenic.

Literature cited by the submitters: PubMed 26545877 (cited by Labcorp Genetics (formerly Invitae), Labcorp); PubMed 26708751 (cited by Labcorp Genetics (formerly Invitae), Labcorp); PubMed 26708753 (cited by Labcorp Genetics (formerly Invitae), Labcorp); PubMed 31785789 (cited by Women's Health and Genetics/Laboratory Corporation of America, LabCorp).

NM_001371986.1(UNC80):c.4063C>T (p.Arg1355Ter)

Gene: UNC80 (unc-80 subunit of NALCN channel complex; plus strand). Cytogenetic location: 2q34.
Variant type: single nucleotide variant.
Coding change: c.4063C>T on transcript NM_001371986.1 (MANE Select); coding-DNA position 4063, C replaced by T.
Protein change: p.Arg1355Ter; replaces arginine 1355 with a stop codon.
Molecular consequence: nonsense.
Genome position (GRCh38, 1-based): chr2:209,881,047, C>T. VCF-style: chr2-209881047-C-T. GRCh37 (hg19) VCF-style: chr2-210745771-C-T.
Other names: c.4069C>T (NM_032504.1); c.4069C>T, p.Arg1357Ter (NM_032504.2); c.4054C>T, p.Arg1352Ter (NM_182587.4); short protein forms R1355*, R1352*, R1357*.
Identifiers: ClinVar variation 1457621 (VCV001457621.7), dbSNP rs750226213, ClinGen allele CA350747776.